The following is an entry in ClinVar:

ClinVar aggregate classification (germline): Uncertain significance (1 of 4 stars; one submission).

Submission:

GeneDx
Classification: Uncertain significance. Last evaluated: 2024-05-09. Review status: criteria provided, single submitter. Criteria: GeneDx Variant Classification Process June 2021. Collection method: clinical testing. Allele origin: germline. Affected: yes.
Comment: Not observed at significant frequency in large population cohorts (gnomAD); In silico analysis supports that this missense variant has a deleterious effect on protein structure/function; Has not been previously published as pathogenic or benign to our knowledge

NM_001270.4(CHD1):c.3895G>A (p.Ala1299Thr)

Gene: CHD1 (chromodomain helicase DNA binding protein 1; minus strand). Cytogenetic location: 5q15.
Variant type: single nucleotide variant.
Coding change: c.3895G>A on transcript NM_001270.4 (MANE Select); coding-DNA position 3895, G replaced by A.
Protein change: p.Ala1299Thr; replaces alanine 1299 with threonine.
Molecular consequence: missense variant. On other transcripts: non-coding transcript variant (2).
Genome position (GRCh38, 1-based): chr5:98,870,770, C>T on the plus strand (G>A on the coding strand, the complement: CHD1 is on the minus strand). VCF-style: chr5-98870770-C-T. GRCh37 (hg19) VCF-style: chr5-98206474-C-T.
Other names: c.3895G>A, p.Ala1299Thr (NM_001364113.3, NM_001376194.2); short protein forms A1299T.
Identifiers: ClinVar variation 3375705 (VCV003375705.1).
Genomic context (GRCh38, chr5:98,870,770, plus strand): 5'-TTGCAAGATCTCTACTAAGTAATTTGATGAGGTAGTCTGCACGGGTCTGCAACTGTTTTG[C>T]TTGTGGTTTTTTATCGGGATCATCTGGAAGAATCTGAAAAAGCAATAAATTTTTTCAGAT-3'
Protein context (NP_001261.2, residues 1289-1309): LPDDPDKKPQ[Ala1299Thr]KQLQTRADYL